The following is an entry in ClinVar:

NM_001077350.3(NPRL3):c.1579GAG[1] (p.Glu528del)

Gene: NPRL3 (NPR3 like, GATOR1 complex subunit; minus strand). Cytogenetic location: 16p13.3.
Variant type: Microsatellite.
Coding change: c.1579GAG[1] on transcript NM_001077350.3 (MANE Select); one copy of the 3-base unit GAG starting at c.1579; the reference has two copies in a row; one copy, 3 bases deleted.
Protein change: p.Glu528del; deletes glutamic acid 528.
Molecular consequence: inframe deletion.
Genome position (GRCh38, 1-based): chr16:86,831-86,833, CTC deleted on the plus strand (GAG on the coding strand, the reverse complement: NPRL3 is on the minus strand); deleting any 3 consecutive bases within chr16:86,831-86,837 gives the same sequence; the position shown is the placement nearest the transcript's 3' end. VCF-style (leftmost placement, unchanged base first): chr16-86830-TCTC-T. GRCh37 (hg19) VCF-style: chr16-136829-TCTC-T.
Other names: c.1042GAG[1], p.Glu349del (NM_001039476.3); c.1345GAG[1], p.Glu450del (NM_001243247.2); c.1504GAG[1], p.Glu503del (NM_001243248.2, NM_001243249.2); short protein forms E349del, E450del, E503del, E528del.
Identifiers: ClinVar variation 1314644 (VCV001314644.9), dbSNP rs2141894975, ClinGen allele CA2580613349.

ClinVar aggregate classification (germline): Uncertain significance. Review status: criteria provided, multiple submitters, no conflicts (2 of 4 stars). 2 submissions from 2 submitters: Uncertain significance (2). Last evaluated 2022-03-19.

Conditions:
Epilepsy, familial focal, with variable foci 3 (FFEVF3). Identifiers: MedGen C4310708, MONDO:0014925, OMIM 617118.

Submissions (2):

Labcorp Genetics (formerly Invitae), Labcorp
Classification: Uncertain significance for Epilepsy, familial focal, with variable foci 3. Last evaluated: 2022-03-19. Review status: criteria provided, single submitter. Criteria: Invitae Variant Classification Sherloc (09022015). Collection method: clinical testing. Allele origin: germline.
Comment: Experimental studies and prediction algorithms are not available or were not evaluated, and the functional significance of this variant is currently unknown. ClinVar contains an entry for this variant (Variation ID: 1314644). This variant has not been reported in the literature in individuals affected with NPRL3-related conditions. This variant is not present in population databases (gnomAD no frequency). This variant, c.1582_1584del, results in the deletion of 1 amino acid(s) of the NPRL3 protein (p.Glu528del), but otherwise preserves the integrity of the reading frame. In summary, the available evidence is currently insufficient to determine the role of this variant in disease. Therefore, it has been classified as a Variant of Uncertain Significance.

GeneDx
Classification: Uncertain significance. Last evaluated: 2021-04-28. Review status: criteria provided, single submitter. Criteria: GeneDx Variant Classification Process June 2021. Collection method: clinical testing. Allele origin: germline. Affected: yes.
Comment: Not observed at significant frequency in large population cohorts (Lek et al., 2016); In-frame deletion of 1 amino acid in a non-repeat region; In silico analysis supports a deleterious effect on protein structure/function; Has not been previously published as pathogenic or benign to our knowledge